The following is an entry in ClinVar:

ClinVar aggregate classification (germline): Uncertain significance (1 of 4 stars; one submission).

gnomAD v4.1: 2 of 1,606,430 alleles (0.00012%); highest among the groups gnomAD compares: South Asian, 0.0022%; no homozygotes.

Submission:

Dasa
Classification: Uncertain significance. Last evaluated: 2026-03-25. Review status: criteria provided, single submitter. Criteria: DASA Assertion Criteria. Collection method: clinical testing. Allele origin: germline.
Comment: NM_004564.3(GATB):c.970A>G (p.Met324Val) is a missense variant that results in the substitution of methionine with valine. This variant is rare in population databases. Computational prediction algorithms are consistent with a benign effect. The currently available literature and clinical evidence are not sufficient to establish a definitive association between this variant and the reported condition. Therefore, this variant is classified as a variant of uncertain significance.

NM_004564.3(GATB):c.970A>G (p.Met324Val)

Gene: GATB (glutamyl-tRNA amidotransferase subunit B; minus strand). Cytogenetic location: 4q31.3.
Variant type: single nucleotide variant.
Coding change: c.970A>G on transcript NM_004564.3 (MANE Select); coding-DNA position 970, A replaced by G.
Protein change: p.Met324Val; replaces methionine 324 with valine.
Molecular consequence: missense variant.
Genome position (GRCh38, 1-based): chr4:151,703,888, T>C on the plus strand (A>G on the coding strand, the complement: GATB is on the minus strand). VCF-style: chr4-151703888-T-C. GRCh37 (hg19) VCF-style: chr4-152625040-T-C.
Other names: c.970A>G, p.Met324Val (NM_001363341.2); short protein forms M324V.
Identifiers: ClinVar variation 4886670 (VCV004886670.2).